The following is an entry in ClinVar:

NM_032578.4(MYPN):c.204C>G (p.Ser68Arg)

Gene: MYPN (myopalladin; plus strand). Cytogenetic location: 10q21.3.
Variant type: single nucleotide variant.
Coding change: c.204C>G on transcript NM_032578.4 (MANE Select); coding-DNA position 204, C replaced by G.
Protein change: p.Ser68Arg; replaces serine 68 with arginine.
Molecular consequence: missense variant. On other transcripts: 5 prime UTR variant (1), non-coding transcript variant (1).
Genome position (GRCh38, 1-based): chr10:68,121,642, C>G. VCF-style: chr10-68121642-C-G. GRCh37 (hg19) VCF-style: chr10-69881399-C-G.
Other names: c.204C>G, p.Ser68Arg (NM_001256267.2); c.-919C>G (NM_001256268.2); short protein forms S68R.
Identifiers: ClinVar variation 2003749 (VCV002003749.4), dbSNP rs1035588500, ClinGen allele CA377103822.
Genomic context (GRCh38, chr10:68,121,642, plus strand): 5'-TGGGGCCGCTGAAGGAGGCGGAGGCCAAGATGACCTTCCAGATCTTTCAGCCTTTCTGAG[C>G]CAAGAAGAATTAGACGAAAGTGTCAATTTGGCAAGACTGGCCATCAATTACGACCCTTTG-3'
Protein context (NP_115967.2, residues 58-78): DDLPDLSAFL[Ser68Arg]QEELDESVNL

ClinVar aggregate classification (germline): Uncertain significance (1 of 4 stars; one submission).

Conditions:
Dilated cardiomyopathy 1KK (CMD1KK). Identifiers: Orphanet 154, Orphanet 75249, MedGen C3714995, MONDO:0014100, OMIM 615248.

Submission:

Labcorp Genetics (formerly Invitae), Labcorp
Classification: Uncertain significance for Dilated cardiomyopathy 1KK. Last evaluated: 2022-06-09. Review status: criteria provided, single submitter. Criteria: Invitae Variant Classification Sherloc (09022015). Collection method: clinical testing. Allele origin: germline.
Comment: This variant is not present in population databases (gnomAD no frequency). This sequence change replaces serine, which is neutral and polar, with arginine, which is basic and polar, at codon 68 of the MYPN protein (p.Ser68Arg). This variant has not been reported in the literature in individuals affected with MYPN-related conditions. In summary, the available evidence is currently insufficient to determine the role of this variant in disease. Therefore, it has been classified as a Variant of Uncertain Significance. Algorithms developed to predict the effect of missense changes on protein structure and function are either unavailable or do not agree on the potential impact of this missense change (SIFT: "Tolerated"; PolyPhen-2: "Probably Damaging"; Align-GVGD: "Class C0").